The following is an entry in ClinVar:

ClinVar aggregate classification (germline): Conflicting classifications of pathogenicity. Review status: criteria provided, conflicting classifications (1 of 4 stars). 7 submissions from 7 submitters: Uncertain significance (1); Benign (2); Likely benign (4). Last evaluated 2026-08-01.

Conditions:
Facioscapulohumeral muscular dystrophy 2 (FSHD2). Also called: FACIOSCAPULOHUMERAL MUSCULAR DYSTROPHY 2, DIGENIC; FSHD2, DIGENIC; MUSCULAR DYSTROPHY, FACIOSCAPULOHUMERAL, TYPE 1B. Identifiers: Orphanet 269, MedGen C1834671, MONDO:0008031, OMIM 158901.

Allele frequency attached by ClinVar (database versions not stated): TOPMed 0.00034; gnomAD 0.00040 and 0.00052; 1000 Genomes Project 0.00060; ESP Exome Variant Server 0.00060; gnomAD exomes 0.00080; 1000 Genomes Project 30x 0.00094; ExAC 0.00182.
gnomAD v4.1: 1,095 of 1,540,260 alleles (0.071%); highest among the groups gnomAD compares: South Asian, 0.43%; 4 homozygotes.

Submissions (7):

CeGaT Center for Human Genetics Tuebingen
Classification: Benign. Last evaluated: 2026-08-01. Review status: criteria provided, single submitter. Criteria: CeGaT Center For Human Genetics Tuebingen Variant Classification Criteria Version 2. Collection method: clinical testing. Allele origin: germline. Affected: yes. Observed: 3 variant alleles.
Comment: SMCHD1: BP4, BS1, BS2

Labcorp Genetics (formerly Invitae), Labcorp
Classification: Likely benign for Facioscapulohumeral muscular dystrophy 2. Last evaluated: 2026-01-21. Review status: criteria provided, single submitter. Criteria: Invitae Variant Classification Sherloc (09022015). Collection method: clinical testing. Allele origin: germline.

Laboratory of Genetics, Children's Clinical University Hospital Latvia
Classification: Likely benign. Last evaluated: 2025-02-16. Review status: criteria provided, single submitter. Criteria: ACMG Guidelines, 2015. Collection method: clinical testing. Allele origin: germline. Affected: yes.

Blueprint Genetics
Classification: Likely benign. Last evaluated: 2024-11-28. Review status: criteria provided, single submitter. Criteria: ACMG Guidelines, 2015. Collection method: clinical testing. Allele origin: germline.

Revvity Omics, Revvity
Classification: Benign. Last evaluated: 2023-08-17. Review status: criteria provided, single submitter. Criteria: ACMG Guidelines, 2015. Collection method: clinical testing. Allele origin: germline.

Eurofins Ntd Llc (ga)
Classification: Uncertain significance. Last evaluated: 2017-04-18. Review status: criteria provided, single submitter. Criteria: EGL Classification Definitions 2015. Collection method: clinical testing. Allele origin: germline. Observed: 4 variant alleles, 4 heterozygotes.

PreventionGenetics, part of Exact Sciences
Classification: Likely benign. Review status: criteria provided, single submitter. Criteria: ACMG Guidelines, 2015. Collection method: clinical testing. Allele origin: germline.

Literature cited by the submitters: PubMed 25370034 (cited by Eurofins Ntd Llc (ga)).

NM_015295.3(SMCHD1):c.1957-3C>T

Gene: SMCHD1 (structural maintenance of chromosomes flexible hinge domain containing 1; plus strand). Cytogenetic location: 18p11.32.
Variant type: single nucleotide variant.
Coding change: c.1957-3C>T on transcript NM_015295.3 (MANE Select); 3 bases into the intron before coding-DNA position 1957, C replaced by T.
Molecular consequence: intron variant.
Genome position (GRCh38, 1-based): chr18:2,706,361, C>T. VCF-style: chr18-2706361-C-T. GRCh37 (hg19) VCF-style: chr18-2706359-C-T.
Identifiers: ClinVar variation 260635 (VCV000260635.54), dbSNP rs201069969, ClinGen allele CA8870852.
Genomic context (GRCh38, chr18:2,706,361, plus strand): 5'-TGTTTTTATTACAGCTAGATTTAAATAGTTTTCTTTGAAATGTTGGTAAATGTATTTATT[C>T]AGGAACCTCAGGCACTATATGATGAAGTAAGAACTGTGCCAATTGCAAAGCTGGATAGGA-3'